The following is an entry in ClinVar:

ClinVar aggregate classification (germline): Benign/Likely benign. Review status: criteria provided, multiple submitters, no conflicts (2 of 4 stars). 3 submissions from 3 submitters: Benign (1); Likely benign (2). Last evaluated 2024-03-22.

Conditions:
Hereditary cancer-predisposing syndrome. Also called: Hereditary Cancer Syndrome; Hereditary neoplastic syndrome; Neoplastic Syndromes, Hereditary; Tumor predisposition. Identifiers: Orphanet 140162, MedGen C0027672, MeSH D009386, MONDO:0015356.
Familial adenomatous polyposis 1 (FAP1). Also called: FAMILIAL ADENOMATOUS POLYPOSIS 1, ATTENUATED; POLYPOSIS, ADENOMATOUS INTESTINAL. Identifiers: MedGen C2713442, MONDO:0021056, OMIM 175100. Disease mechanism: loss of function.

Submissions (3):

Myriad Genetics, Inc.
Classification: Benign for Familial adenomatous polyposis 1. Last evaluated: 2024-03-22. Review status: criteria provided, single submitter. Criteria: Myriad Autosomal Dominant, Autosomal Recessive and X-Linked Classification Criteria (2023). Collection method: clinical testing. Allele origin: unknown.
Comment: This variant is considered benign. This variant is a silent/synonymous amino acid change and it is not expected to impact splicing.

Ambry Genetics
Classification: Likely benign for Hereditary cancer-predisposing syndrome. Last evaluated: 2019-10-24. Review status: criteria provided, single submitter. Criteria: Ambry Variant Classification Scheme 2023. Collection method: clinical testing. Allele origin: germline.

Labcorp Genetics (formerly Invitae), Labcorp
Classification: Likely benign for Familial adenomatous polyposis 1. Last evaluated: 2018-10-03. Review status: criteria provided, single submitter. Criteria: Invitae Variant Classification Sherloc (09022015). Collection method: clinical testing. Allele origin: germline.

NM_000038.6(APC):c.3717A>G (p.Arg1239=)

Gene: APC (APC regulator of Wnt signaling pathway; plus strand). Cytogenetic location: 5q22.2.
Variant type: single nucleotide variant.
Coding change: c.3717A>G on transcript NM_000038.6 (MANE Select); coding-DNA position 3717, A replaced by G.
Protein change: p.Arg1239=; no amino-acid change (arginine 1239 retained).
Molecular consequence: synonymous variant.
Genome position (GRCh38, 1-based): chr5:112,839,311, A>G. VCF-style: chr5-112839311-A-G. GRCh37 (hg19) VCF-style: chr5-112175008-A-G.
Other names: c.3717A>G, p.Arg1239= (NM_001127510.3, NM_001354895.2); c.3663A>G, p.Arg1221= (NM_001127511.3); c.3771A>G, p.Arg1257= (NM_001354896.2); c.3747A>G, p.Arg1249= (NM_001354897.2); c.3642A>G, p.Arg1214= (NM_001354898.2); c.3633A>G, p.Arg1211= (NM_001354899.2); c.3594A>G, p.Arg1198= (NM_001354900.2); c.3540A>G, p.Arg1180= (NM_001354901.2); and 5 more.
Identifiers: ClinVar variation 755286 (VCV000755286.16), dbSNP rs1580639048, ClinGen allele CA445963954.
Genomic context (GRCh38, chr5:112,839,311, plus strand): 5'-CACACCTTCATCTAATGCCAAGAGGCAGAATCAGCTCCATCCAAGTTCTGCACAGAGTAG[A>G]AGTGGTCAGCCTCAAAAGGCTGCCACTTGCAAAGTTTCTTCTATTAACCAAGAAACAATA-3'
Protein context (NP_000029.2, residues 1229-1249): NQLHPSSAQS[Arg1239=]SGQPQKAATC